The following is an entry in ClinVar:

ClinVar aggregate classification (germline): Benign/Likely benign. Review status: criteria provided, multiple submitters, no conflicts (2 of 4 stars). 5 submissions from 5 submitters: Benign (2); Likely benign (2). 1 of the submissions does not count toward it. Last evaluated 2025-09-17.

Conditions:
ANKRD11-related disorder. Also called: ANKRD11-related condition.
KBG syndrome (KBGS). Also called: ANKRD11-Related KBG Syndrome. Identifiers: Orphanet 2332, MedGen C0220687, MONDO:0007846, OMIM 148050.

Allele frequency attached by ClinVar (database versions not stated): gnomAD 0.00001 and 0.00008; TOPMed 0.00003; ESP Exome Variant Server 0.00008; 1000 Genomes Project 30x 0.00016; gnomAD exomes 0.00021 and 0.00042; ExAC 0.00055.
gnomAD v4.1: 325 of 1,613,052 alleles (0.02%); highest among the groups gnomAD compares: South Asian, 0.32%; 5 homozygotes.

Submissions (5):

Labcorp Genetics (formerly Invitae), Labcorp
Classification: Benign for KBG syndrome. Last evaluated: 2025-09-17. Review status: criteria provided, single submitter. Criteria: Invitae Variant Classification Sherloc (09022015). Collection method: clinical testing. Allele origin: germline.

CeGaT Center for Human Genetics Tuebingen
Classification: Likely benign. Last evaluated: 2025-01-01. Review status: criteria provided, single submitter. Criteria: CeGaT Center For Human Genetics Tuebingen Variant Classification Criteria Version 2. Collection method: clinical testing. Allele origin: germline. Affected: yes. Observed: 1 variant allele.
Comment: ANKRD11: BP4, BS1

Blueprint Genetics
Classification: Likely benign. Last evaluated: 2023-08-29. Review status: criteria provided, single submitter. Criteria: ACMG Guidelines, 2015. Collection method: clinical testing. Allele origin: germline.

GeneDx
Classification: Benign. Last evaluated: 2020-10-13. Review status: criteria provided, single submitter. Criteria: GeneDx Variant Classification Process June 2021. Collection method: clinical testing. Allele origin: germline. Affected: yes.

PreventionGenetics, part of Exact Sciences
Classification: Likely benign for ANKRD11-related condition. Last evaluated: 2022-04-18. Review status: no assertion criteria provided. Collection method: clinical testing. Allele origin: germline. Not counted in ClinVar's aggregate classification.
Comment: This variant is classified as likely benign based on ACMG/AMP sequence variant interpretation guidelines (Richards et al. 2015 PMID: 25741868, with internal and published modifications).

NM_013275.6(ANKRD11):c.7368C>T (p.Cys2456=)

Gene: ANKRD11 (ankyrin repeat domain 11; minus strand). Cytogenetic location: 16q24.3.
Variant type: single nucleotide variant.
Coding change: c.7368C>T on transcript NM_013275.6 (MANE Select); coding-DNA position 7368, C replaced by T.
Protein change: p.Cys2456=; no amino-acid change (cysteine 2456 retained).
Molecular consequence: synonymous variant.
Genome position (GRCh38, 1-based): chr16:89,279,174, G>A on the plus strand (C>T on the coding strand, the complement: ANKRD11 is on the minus strand). VCF-style: chr16-89279174-G-A. GRCh37 (hg19) VCF-style: chr16-89345582-G-A.
Other names: c.7368C>T, p.Cys2456= (NM_001256182.2, NM_001256183.2).
Identifiers: ClinVar variation 1246610 (VCV001246610.23), dbSNP rs139103143, ClinGen allele CA8241247.
Genomic context (GRCh38, chr16:89,279,174, plus strand): 5'-GTAGGAGCCCGTGTAGGTGACGTACTCGGCGTAGCACTGGGGCGCCTGCGGCGTGATACA[G>A]CACAGGATCTTGCGCTTCTCCTCGATCTTCTTCCTGATCTGCAGGTATTCGAAGTAGGGG-3'
Protein context (NP_037407.4, residues 2446-2466): KKIEEKRKIL[Cys2456=]CITPQAPQCY